The following is an entry in ClinVar:

NM_002691.4(POLD1):c.1173C>G (p.Asp391Glu)

Gene: POLD1 (DNA polymerase delta 1, catalytic subunit; plus strand). Cytogenetic location: 19q13.33.
Variant type: single nucleotide variant.
Coding change: c.1173C>G on transcript NM_002691.4 (MANE Select); coding-DNA position 1173, C replaced by G.
Protein change: p.Asp391Glu; replaces aspartic acid 391 with glutamic acid.
Molecular consequence: missense variant. On other transcripts: non-coding transcript variant (1).
Genome position (GRCh38, 1-based): chr19:50,403,528, C>G. VCF-style: chr19-50403528-C-G. GRCh37 (hg19) VCF-style: chr19-50906785-C-G.
Other names: c.1173C>G, p.Asp391Glu (NM_001256849.1, NM_001308632.1); short protein forms D391E.
Identifiers: ClinVar variation 1740081 (VCV001740081.8), dbSNP rs2230244, ClinGen allele CA406978501.

ClinVar aggregate classification (germline): Uncertain significance. Review status: criteria provided, multiple submitters, no conflicts (2 of 4 stars). 2 submissions from 2 submitters: Uncertain significance (2). Last evaluated 2024-10-18.

Conditions:
Hereditary cancer-predisposing syndrome. Also called: Neoplastic Syndromes, Hereditary; Tumor predisposition; Hereditary neoplastic syndrome; Hereditary Cancer Syndrome. Identifiers: Orphanet 140162, MedGen C0027672, MeSH D009386, MONDO:0015356.
POLD1-related polyposis and colorectal cancer syndrome (CRCS10). Also called: COLORECTAL CANCER, SUSCEPTIBILITY TO, ON CHROMOSOME 19q; Colorectal cancer 10; Colorectal cancer, susceptibility to, 10. Identifiers: Orphanet 220460, MedGen C2675481, MONDO:0012953, OMIM 612591.

Submissions (2):

Ambry Genetics
Classification: Uncertain significance for Hereditary cancer-predisposing syndrome. Last evaluated: 2024-10-18. Review status: criteria provided, single submitter. Criteria: Ambry Variant Classification Scheme 2023. Collection method: clinical testing. Allele origin: germline.
Comment: The p.D391E variant (also known as c.1173C>G), located in coding exon 9 of the POLD1 gene, results from a C to G substitution at nucleotide position 1173. The aspartic acid at codon 391 is replaced by glutamic acid, an amino acid with highly similar properties. This amino acid position is highly conserved in available vertebrate species. In addition, the in silico prediction for this alteration is inconclusive. Since supporting evidence is limited at this time, the clinical significance of this alteration remains unclear.

Labcorp Genetics (formerly Invitae), Labcorp
Classification: Uncertain significance for POLD1-related polyposis and colorectal cancer syndrome. Last evaluated: 2023-12-05. Review status: criteria provided, single submitter. Criteria: Invitae Variant Classification Sherloc (09022015). Collection method: clinical testing. Allele origin: germline.
Comment: This sequence change replaces aspartic acid, which is acidic and polar, with glutamic acid, which is acidic and polar, at codon 391 of the POLD1 protein (p.Asp391Glu). This variant is not present in population databases (gnomAD no frequency). This variant has not been reported in the literature in individuals affected with POLD1-related conditions. ClinVar contains an entry for this variant (Variation ID: 1740081). Advanced modeling of protein sequence and biophysical properties (such as structural, functional, and spatial information, amino acid conservation, physicochemical variation, residue mobility, and thermodynamic stability) performed at Invitae indicates that this missense variant is expected to disrupt POLD1 protein function with a positive predictive value of 80%. In summary, the available evidence is currently insufficient to determine the role of this variant in disease. Therefore, it has been classified as a Variant of Uncertain Significance.